The following is an entry in ClinVar:

ClinVar aggregate classification (germline): Pathogenic (1 of 4 stars; one submission).

Conditions:
Landau-Kleffner syndrome (FESD). Also called: APHASIA, ACQUIRED, WITH EPILEPSY; EPILEPSY, FOCAL, WITH SPEECH DISORDER AND WITH OR WITHOUT MENTAL RETARDATION. Identifiers: Orphanet 1945, Orphanet 725, Orphanet 98818, MedGen C0282512, MONDO:0009509, OMIM 245570.

Submission:

Labcorp Genetics (formerly Invitae), Labcorp
Classification: Pathogenic for Landau-Kleffner syndrome. Last evaluated: 2023-07-25. Review status: criteria provided, single submitter. Criteria: Invitae Variant Classification Sherloc (09022015). Collection method: clinical testing. Allele origin: germline.
Comment: For these reasons, this variant has been classified as Pathogenic. This variant has not been reported in the literature in individuals affected with GRIN2A-related conditions. This variant is not present in population databases (gnomAD no frequency). This sequence change creates a premature translational stop signal (p.Gly583*) in the GRIN2A gene. It is expected to result in an absent or disrupted protein product. Loss-of-function variants in GRIN2A are known to be pathogenic (PMID: 23933819, 23933820).

Literature cited by the submitters: PubMed 23933819; PubMed 23933820.

NM_001134407.3(GRIN2A):c.1747G>T (p.Gly583Ter)

Gene: GRIN2A (glutamate ionotropic receptor NMDA type subunit 2A; minus strand). Cytogenetic location: 16p13.2.
Variant type: single nucleotide variant.
Coding change: c.1747G>T on transcript NM_001134407.3 (MANE Select); coding-DNA position 1747, G replaced by T.
Protein change: p.Gly583Ter; replaces glycine 583 with a stop codon.
Molecular consequence: nonsense.
Genome position (GRCh38, 1-based): chr16:9,834,135, C>A on the plus strand (G>T on the coding strand, the complement: GRIN2A is on the minus strand). VCF-style: chr16-9834135-C-A. GRCh37 (hg19) VCF-style: chr16-9927992-C-A.
Other names: c.1747G>T, p.Gly583Ter (NM_000833.5, NM_001134408.2); short protein forms G583*.
Identifiers: ClinVar variation 2756360 (VCV002756360.3), dbSNP rs1295182898, ClinGen allele CA394799939.